The following is an entry in ClinVar:

ClinVar aggregate classification (germline): Uncertain significance (1 of 4 stars; one submission).

Conditions:
Inborn genetic diseases. Identifiers: MedGen C0950123, MeSH D030342.

Submission:

Ambry Genetics
Classification: Uncertain significance for Inborn genetic diseases. Last evaluated: 2021-06-15. Review status: criteria provided, single submitter. Criteria: Ambry Variant Classification Scheme 2023. Collection method: clinical testing. Allele origin: germline.
Comment: The p.L777P variant (also known as c.2330T>C), located in coding exon 15 of the EPAS1 gene, results from a T to C substitution at nucleotide position 2330. The leucine at codon 777 is replaced by proline, an amino acid with similar properties. This amino acid position is conserved. In addition, the in silico prediction for this alteration is inconclusive. Since supporting evidence is limited at this time, the clinical significance of this alteration remains unclear.

NM_001430.5(EPAS1):c.2330T>C (p.Leu777Pro)

Gene: EPAS1 (endothelial PAS domain protein 1; plus strand). Cytogenetic location: 2p21.
Variant type: single nucleotide variant.
Coding change: c.2330T>C on transcript NM_001430.5 (MANE Select); coding-DNA position 2330, T replaced by C.
Protein change: p.Leu777Pro; replaces leucine 777 with proline.
Molecular consequence: missense variant.
Genome position (GRCh38, 1-based): chr2:46,382,467, T>C. VCF-style: chr2-46382467-T-C. GRCh37 (hg19) VCF-style: chr2-46609606-T-C.
Other names: short protein forms L777P.
Identifiers: ClinVar variation 1789721 (VCV001789721.2), dbSNP rs1292120365, ClinGen allele CA346706036.